The following is an entry in ClinVar:

ClinVar aggregate classification (germline): Benign/Likely benign. Review status: criteria provided, multiple submitters, no conflicts (2 of 4 stars). 2 submissions from 2 submitters: Benign (1); Likely benign (1). Last evaluated 2025-10-26.

Conditions:
Developmental and epileptic encephalopathy, 42 (DEE42A). Also called: Epileptic encephalopathy, early infantile, 42; DEVELOPMENTAL AND EPILEPTIC ENCEPHALOPATHY 42A; EPILEPTIC ENCEPHALOPATHY, EARLY INFANTILE, 42A. Identifiers: MedGen C4310716, MONDO:0014917, OMIM 617106.
Episodic ataxia type 2 (EA2). Also called: ATAXIA, EPISODIC, WITH NYSTAGMUS; ATAXIA, FAMILIAL PAROXYSMAL; CEREBELLAR ATAXIA, PAROXYSMAL, ACETAZOLAMIDE-RESPONSIVE; CEREBELLOPATHY, HEREDITARY PAROXYSMAL; EPISODIC ATAXIA, NYSTAGMUS-ASSOCIATED; ACETAZOLAMIDE-RESPONSIVE HEREDITARY PAROXYSMAL CEREBELLAR ATAXIA. Identifiers: Orphanet 97, MedGen C1720416, MONDO:0007163, OMIM 108500.

Allele frequency attached by ClinVar (database versions not stated): 1000 Genomes Project 0.00020; ExAC 0.00021; 1000 Genomes Project 30x 0.00031.
gnomAD v4.1: 97 of 1,613,958 alleles (0.006%); highest among the groups gnomAD compares: South Asian, 0.097%; no homozygotes.

Submissions (2):

Labcorp Genetics (formerly Invitae), Labcorp
Classification: Benign for Developmental and epileptic encephalopathy, 42; Episodic ataxia type 2. Last evaluated: 2025-10-26. Review status: criteria provided, single submitter. Criteria: Invitae Variant Classification Sherloc (09022015). Collection method: clinical testing. Allele origin: germline.

CeGaT Center for Human Genetics Tuebingen
Classification: Likely benign. Last evaluated: 2024-10-01. Review status: criteria provided, single submitter. Criteria: CeGaT Center For Human Genetics Tuebingen Variant Classification Criteria Version 2. Collection method: clinical testing. Allele origin: germline. Affected: yes. Observed: 2 variant alleles.
Comment: CACNA1A: BP4, BP7

NM_001127222.2(CACNA1A):c.3807C>T (p.Asn1269=)

Gene: CACNA1A (calcium voltage-gated channel subunit alpha1 A; minus strand). Cytogenetic location: 19p13.13.
Variant type: single nucleotide variant.
Coding change: c.3807C>T on transcript NM_001127222.2 (MANE Select); coding-DNA position 3807, C replaced by T.
Protein change: p.Asn1269=; no amino-acid change (asparagine 1269 retained).
Molecular consequence: synonymous variant.
Genome position (GRCh38, 1-based): chr19:13,283,282, G>A on the plus strand (C>T on the coding strand, the complement: CACNA1A is on the minus strand). VCF-style: chr19-13283282-G-A. GRCh37 (hg19) VCF-style: chr19-13394096-G-A.
Other names: c.3819C>T, p.Asn1273= (NM_000068.4, NM_023035.3); c.3810C>T, p.Asn1270= (NM_001127221.2, NM_001174080.2).
Identifiers: ClinVar variation 1170175 (VCV001170175.33), dbSNP rs557721660, ClinGen allele CA9240196.